The following is an entry in ClinVar:

ClinVar aggregate classification (germline): Uncertain significance. Review status: criteria provided, multiple submitters, no conflicts (2 of 4 stars). 2 submissions from 2 submitters: Uncertain significance (2). Last evaluated 2024-12-14.

Conditions:
Microcephaly, normal intelligence and immunodeficiency (NBS). Also called: BERLIN BREAKAGE SYNDROME; SEEMANOVA SYNDROME II; Ataxia telangiectasia variant V1; IMMUNODEFICIENCY, MICROCEPHALY, AND CHROMOSOMAL INSTABILITY; Immunodeficiency, microcephaly with normal intelligence; Nijmegen breakage syndrome. Identifiers: Orphanet 647, MedGen C0398791, MONDO:0009623, OMIM 251260.
Hereditary cancer-predisposing syndrome. Also called: Hereditary neoplastic syndrome; Tumor predisposition; Hereditary Cancer Syndrome; Neoplastic Syndromes, Hereditary. Identifiers: Orphanet 140162, MedGen C0027672, MeSH D009386, MONDO:0015356.

Submissions (2):

Ambry Genetics
Classification: Uncertain significance for Hereditary cancer-predisposing syndrome. Last evaluated: 2024-12-14. Review status: criteria provided, single submitter. Criteria: Ambry Variant Classification Scheme 2023. Collection method: clinical testing. Allele origin: germline.
Comment: The p.K441T variant (also known as c.1322A>C), located in coding exon 10 of the NBN gene, results from an A to C substitution at nucleotide position 1322. The lysine at codon 441 is replaced by threonine, an amino acid with similar properties. This amino acid position is conserved. In addition, this alteration is predicted to be tolerated by in silico analysis. Since supporting evidence is limited at this time, the clinical significance of this alteration remains unclear.

Labcorp Genetics (formerly Invitae), Labcorp
Classification: Uncertain significance for Microcephaly, normal intelligence and immunodeficiency. Last evaluated: 2023-01-02. Review status: criteria provided, single submitter. Criteria: Invitae Variant Classification Sherloc (09022015). Collection method: clinical testing. Allele origin: germline.
Comment: In summary, the available evidence is currently insufficient to determine the role of this variant in disease. Therefore, it has been classified as a Variant of Uncertain Significance. Algorithms developed to predict the effect of missense changes on protein structure and function output the following: SIFT: "Tolerated"; PolyPhen-2: "Benign"; Align-GVGD: "Class C0". The threonine amino acid residue is found in multiple mammalian species, which suggests that this missense change does not adversely affect protein function. ClinVar contains an entry for this variant (Variation ID: 579285). This variant has not been reported in the literature in individuals affected with NBN-related conditions. This variant is not present in population databases (gnomAD no frequency). This sequence change replaces lysine, which is basic and polar, with threonine, which is neutral and polar, at codon 441 of the NBN protein (p.Lys441Thr).

NM_002485.5(NBN):c.1322A>C (p.Lys441Thr)

Gene: NBN (nibrin; minus strand). Cytogenetic location: 8q21.3.
Variant type: single nucleotide variant.
Coding change: c.1322A>C on transcript NM_002485.5 (MANE Select); coding-DNA position 1322, A replaced by C.
Protein change: p.Lys441Thr; replaces lysine 441 with threonine.
Molecular consequence: missense variant.
Genome position (GRCh38, 1-based): chr8:89,955,358, T>G on the plus strand (A>C on the coding strand, the complement: NBN is on the minus strand). VCF-style: chr8-89955358-T-G. GRCh37 (hg19) VCF-style: chr8-90967586-T-G.
Other names: c.1076A>C, p.Lys359Thr (NM_001024688.3); short protein forms K441T, K359T.
Identifiers: ClinVar variation 579285 (VCV000579285.14), dbSNP rs1329281031, ClinGen allele CA371656120.